The following is an entry in ClinVar:

NM_182961.4(SYNE1):c.23549G>T (p.Ser7850Ile)

Gene: SYNE1 (spectrin repeat containing nuclear envelope protein 1; minus strand). Cytogenetic location: 6q25.2.
Variant type: single nucleotide variant.
Coding change: c.23549G>T on transcript NM_182961.4 (MANE Select); coding-DNA position 23549, G replaced by T.
Protein change: p.Ser7850Ile; replaces serine 7850 with isoleucine.
Molecular consequence: missense variant.
Genome position (GRCh38, 1-based): chr6:152,176,472, C>A on the plus strand (G>T on the coding strand, the complement: SYNE1 is on the minus strand). VCF-style: chr6-152176472-C-A. GRCh37 (hg19) VCF-style: chr6-152497607-C-A.
Other names: c.155G>T, p.Ser52Ile (NM_001347701.2); c.23336G>T, p.Ser7779Ile (NM_033071.5); short protein forms S7779I, S7850I, S52I.
Identifiers: ClinVar variation 933502 (VCV000933502.5), dbSNP rs781532655, ClinGen allele CA4053572.

ClinVar aggregate classification (germline): Uncertain significance. Review status: criteria provided, multiple submitters, no conflicts (2 of 4 stars). 4 submissions from 4 submitters: Uncertain significance (4). Last evaluated 2020-01-22.

Conditions:
Emery-Dreifuss muscular dystrophy 4, autosomal dominant (EDMD4). Also called: EMERY-DREIFUSS MUSCULAR DYSTROPHY 4 WITH VARIABLE FEATURES. Identifiers: Orphanet 261, MedGen C2751807, MONDO:0013071, OMIM 612998.
Autosomal recessive ataxia, Beauce type. Also called: SYNE1 Deficiency; Spinocerebellar ataxia, autosomal recessive 8; ATAXIA, RECESSIVE, OF BEAUCE; SYNE1-Related Autosomal Recessive Cerebellar Ataxia. Identifiers: Orphanet 88644, MedGen C1853116, MONDO:0012549, OMIM 610743.

Allele frequency attached by ClinVar (database versions not stated): gnomAD exomes below 0.00001 and 0.00001; ExAC 0.00001.
gnomAD v4.1: 5 of 1,613,830 alleles (0.00031%); highest among the groups gnomAD compares: Middle Eastern, 0.05%; no homozygotes.

Submissions (4):

Blueprint Genetics
Classification: Uncertain significance. Last evaluated: 2020-01-22. Review status: criteria provided, single submitter. Criteria: ACMG Guidelines, 2015. Collection method: clinical testing. Allele origin: germline.

Labcorp Genetics (formerly Invitae), Labcorp
Classification: Uncertain significance for Emery-Dreifuss muscular dystrophy 4, autosomal dominant; Spinocerebellar ataxia, autosomal recessive 8. Last evaluated: 2019-06-11. Review status: criteria provided, single submitter. Criteria: Invitae Variant Classification Sherloc (09022015). Collection method: clinical testing. Allele origin: germline.
Comment: This sequence change replaces serine with isoleucine at codon 7779 of the SYNE1 protein (p.Ser7779Ile). The serine residue is highly conserved and there is a large physicochemical difference between serine and isoleucine. This variant is present in population databases (rs781532655, ExAC 0.001%). This variant has not been reported in the literature in individuals with SYNE1-related conditions. Algorithms developed to predict the effect of missense changes on protein structure and function are either unavailable or do not agree on the potential impact of this missense change (SIFT: "Deleterious"; PolyPhen-2: "Possibly Damaging"; Align-GVGD: "Class C0"). In summary, the available evidence is currently insufficient to determine the role of this variant in disease. Therefore, it has been classified as a Variant of Uncertain Significance.

GeneDx
Classification: Uncertain significance. Last evaluated: 2019-05-23. Review status: criteria provided, single submitter. Criteria: GeneDx Variant Classification Process June 2021. Collection method: clinical testing. Allele origin: germline. Affected: yes.
Comment: Not observed at a significant frequency in large population cohorts (Lek et al., 2016); In silico analysis, which includes protein predictors and evolutionary conservation, supports a deleterious effect; Has not been previously published as pathogenic or benign to our knowledge

Breakthrough Genomics
Classification: Uncertain significance. Review status: criteria provided, single submitter. Criteria: ACMG Guidelines, 2015. Collection method: not provided. Allele origin: germline. Inheritance: Autosomal recessive inheritance. Affected: yes.